The following is an entry in ClinVar:

NM_014491.4(FOXP2):c.1843G>A (p.Ala615Thr)

Gene: FOXP2 (forkhead box P2; plus strand). Cytogenetic location: 7q31.1.
Variant type: single nucleotide variant.
Coding change: c.1843G>A on transcript NM_014491.4 (MANE Select); coding-DNA position 1843, G replaced by A.
Protein change: p.Ala615Thr; replaces alanine 615 with threonine.
Molecular consequence: missense variant. On other transcripts: non-coding transcript variant (2).
Genome position (GRCh38, 1-based): chr7:114,664,276, G>A. VCF-style: chr7-114664276-G-A. GRCh37 (hg19) VCF-style: chr7-114304331-G-A.
Other names: c.1840G>A, p.Ala614Thr (NM_001172766.3); c.1918G>A, p.Ala640Thr (NM_148898.4); c.1894G>A, p.Ala632Thr (NM_148900.4); short protein forms A615T, A640T, A614T, A632T.
Identifiers: ClinVar variation 95605 (VCV000095605.18), dbSNP rs182138317, ClinGen allele CA223147.

ClinVar aggregate classification (germline): Benign/Likely benign. Review status: criteria provided, multiple submitters, no conflicts (2 of 4 stars). 5 submissions from 5 submitters: Benign (1); Likely benign (3). 1 of the submissions does not count toward it. Last evaluated 2026-09-01.

Conditions:
FOXP2-related disorder. Also called: FOXP2-related condition.
Inborn genetic diseases. Identifiers: MedGen C0950123, MeSH D030342.

Allele frequency attached by ClinVar (database versions not stated): gnomAD 0.00058 and 0.00055; 1000 Genomes Project 30x 0.00047; TOPMed 0.00040; 1000 Genomes Project 0.00060.
gnomAD v4.1: 340 of 1,612,968 alleles (0.021%); highest among the groups gnomAD compares: Admixed American, 0.54%; 2 homozygotes.

Submissions (5):

CeGaT Center for Human Genetics Tuebingen
Classification: Likely benign. Last evaluated: 2026-09-01. Review status: criteria provided, single submitter. Criteria: CeGaT Center For Human Genetics Tuebingen Variant Classification Criteria Version 2. Collection method: clinical testing. Allele origin: germline. Affected: yes. Observed: 2 variant alleles.
Comment: FOXP2: PP3, BS1

Labcorp Genetics (formerly Invitae), Labcorp
Classification: Benign. Last evaluated: 2019-12-31. Review status: criteria provided, single submitter. Criteria: Invitae Variant Classification Sherloc (09022015). Collection method: clinical testing. Allele origin: germline.

Eurofins Ntd Llc (ga)
Classification: Likely benign. Last evaluated: 2017-12-01. Review status: criteria provided, single submitter. Criteria: EGL Classification Definitions 2015. Collection method: clinical testing. Allele origin: germline. Observed: 2 variant alleles, 2 heterozygotes.

Ambry Genetics
Classification: Likely benign for Inborn genetic diseases. Last evaluated: 2017-05-10. Review status: criteria provided, single submitter. Criteria: Ambry Variant Classification Scheme 2023. Collection method: clinical testing. Allele origin: germline.

PreventionGenetics, part of Exact Sciences
Classification: Likely benign for FOXP2-related condition. Last evaluated: 2019-05-08. Review status: no assertion criteria provided. Collection method: clinical testing. Allele origin: germline. Not counted in ClinVar's aggregate classification.
Comment: This variant is classified as likely benign based on ACMG/AMP sequence variant interpretation guidelines (Richards et al. 2015 PMID: 25741868, with internal and published modifications).